The following is an entry in ClinVar:

ClinVar aggregate classification (germline): Uncertain significance (1 of 4 stars; one submission).

Allele frequency attached by ClinVar (database versions not stated): gnomAD exomes below 0.00001; TOPMed 0.00002; gnomAD 0.00003.
gnomAD v4.1: 7 of 1,552,068 alleles (0.00045%); highest among the groups gnomAD compares: African/African-American, 0.0082%; no homozygotes.

Submission:

Labcorp Genetics (formerly Invitae), Labcorp
Classification: Uncertain significance. Last evaluated: 2022-07-19. Review status: criteria provided, single submitter. Criteria: Invitae Variant Classification Sherloc (09022015). Collection method: clinical testing. Allele origin: germline.
Comment: This sequence change replaces methionine, which is neutral and non-polar, with threonine, which is neutral and polar, at codon 386 of the UNC80 protein (p.Met386Thr). This variant is present in population databases (no rsID available, gnomAD 0.01%). This variant has not been reported in the literature in individuals affected with UNC80-related conditions. Algorithms developed to predict the effect of missense changes on protein structure and function are either unavailable or do not agree on the potential impact of this missense change (SIFT: "Not Available"; PolyPhen-2: "Benign"; Align-GVGD: "Not Available"). In summary, the available evidence is currently insufficient to determine the role of this variant in disease. Therefore, it has been classified as a Variant of Uncertain Significance.

NM_001371986.1(UNC80):c.1157T>C (p.Met386Thr)

Gene: UNC80 (unc-80 homolog, NALCN channel complex subunit; plus strand). Cytogenetic location: 2q34.
Variant type: single nucleotide variant.
Coding change: c.1157T>C on transcript NM_001371986.1 (MANE Select); coding-DNA position 1157, T replaced by C.
Protein change: p.Met386Thr; replaces methionine 386 with threonine.
Molecular consequence: missense variant.
Genome position (GRCh38, 1-based): chr2:209,813,798, T>C. VCF-style: chr2-209813798-T-C. GRCh37 (hg19) VCF-style: chr2-210678522-T-C.
Other names: c.1157T>C, p.Met386Thr (NM_032504.2, NM_182587.4); short protein forms M386T.
Identifiers: ClinVar variation 1904177 (VCV001904177.2), dbSNP rs1381956065, ClinGen allele CA350133509.